The following is an entry in ClinVar:

NM_002972.4(SBF1):c.1715A>G (p.Tyr572Cys)

Gene: SBF1 (SET binding factor 1; minus strand). Cytogenetic location: 22q13.33.
Variant type: single nucleotide variant.
Coding change: c.1715A>G on transcript NM_002972.4 (MANE Select); coding-DNA position 1715, A replaced by G.
Protein change: p.Tyr572Cys; replaces tyrosine 572 with cysteine.
Molecular consequence: missense variant.
Genome position (GRCh38, 1-based): chr22:50,464,363, T>C on the plus strand (A>G on the coding strand, the complement: SBF1 is on the minus strand). VCF-style: chr22-50464363-T-C. GRCh37 (hg19) VCF-style: chr22-50902792-T-C.
Other names: c.1718A>G, p.Tyr573Cys (NM_001365819.1); c.1715A>G (NM_002972.2); short protein forms Y573C, Y572C.
Identifiers: ClinVar variation 1500162 (VCV001500162.7), dbSNP rs747142107, ClinGen allele CA10317552.

ClinVar aggregate classification (germline): Uncertain significance. Review status: criteria provided, multiple submitters, no conflicts (2 of 4 stars). 2 submissions from 2 submitters: Uncertain significance (2). Last evaluated 2025-01-31.

Allele frequency attached by ClinVar (database versions not stated): ExAC 0.00001; gnomAD 0.00001; gnomAD exomes 0.00001 and 0.00002; TOPMed 0.00002.
gnomAD v4.1: 15 of 1,613,922 alleles (0.00093%); highest among the groups gnomAD compares: Admixed American, 0.005%; no homozygotes.

Submissions (2):

Ambry Genetics
Classification: Uncertain significance. Last evaluated: 2025-01-31. Review status: criteria provided, single submitter. Criteria: Ambry Variant Classification Scheme 2023. Collection method: clinical testing. Allele origin: germline.

Labcorp Genetics (formerly Invitae), Labcorp
Classification: Uncertain significance. Last evaluated: 2022-08-20. Review status: criteria provided, single submitter. Criteria: Invitae Variant Classification Sherloc (09022015). Collection method: clinical testing. Allele origin: germline.
Comment: This sequence change replaces tyrosine, which is neutral and polar, with cysteine, which is neutral and slightly polar, at codon 572 of the SBF1 protein (p.Tyr572Cys). This variant is present in population databases (rs747142107, gnomAD 0.009%). This variant has not been reported in the literature in individuals affected with SBF1-related conditions. ClinVar contains an entry for this variant (Variation ID: 1500162). Algorithms developed to predict the effect of missense changes on protein structure and function output the following: SIFT: "Deleterious"; PolyPhen-2: "Benign"; Align-GVGD: "Class C0". The cysteine amino acid residue is found in multiple mammalian species, which suggests that this missense change does not adversely affect protein function. In summary, the available evidence is currently insufficient to determine the role of this variant in disease. Therefore, it has been classified as a Variant of Uncertain Significance.